The following is an entry in ClinVar:

ClinVar aggregate classification (germline): Conflicting classifications of pathogenicity. Review status: criteria provided, conflicting classifications (1 of 4 stars). 4 submissions from 4 submitters: Uncertain significance (1); Likely benign (3). Last evaluated 2026-02-23.

Conditions:
NTRK2-related disorder. Also called: NTRK2-related condition.

Allele frequency attached by ClinVar (database versions not stated): TOPMed 0.00033; gnomAD 0.00034 and 0.00035; ESP Exome Variant Server 0.00054.
gnomAD v4.1: 832 of 1,608,366 alleles (0.052%); highest among the groups gnomAD compares: South Asian, 0.097%; 2 homozygotes.

Submissions (4):

PreventionGenetics, part of Exact Sciences
Classification: Likely benign for NTRK2-related condition. Last evaluated: 2026-02-23. Review status: criteria provided, single submitter. Criteria: ACMG Guidelines, 2015. Collection method: clinical testing. Allele origin: germline.
Comment: This variant is classified as likely benign based on ACMG/AMP sequence variant interpretation guidelines (Richards et al. 2015 PMID: 25741868, with internal and published modifications).

Labcorp Genetics (formerly Invitae), Labcorp
Classification: Likely benign. Last evaluated: 2026-01-12. Review status: criteria provided, single submitter. Criteria: Invitae Variant Classification Sherloc (09022015). Collection method: clinical testing. Allele origin: germline.

Blueprint Genetics
Classification: Likely benign. Last evaluated: 2024-11-26. Review status: criteria provided, single submitter. Criteria: ACMG Guidelines, 2015. Collection method: clinical testing. Allele origin: germline.

Genetic Services Laboratory, University of Chicago
Classification: Uncertain significance. Last evaluated: 2017-01-27. Review status: criteria provided, single submitter. Criteria: ACMG Guidelines, 2015. Collection method: clinical testing. Allele origin: germline. Affected: no.

NM_006180.6(NTRK2):c.1195+9C>T

Gene: NTRK2 (neurotrophic receptor tyrosine kinase 2; plus strand). Cytogenetic location: 9q21.33.
Variant type: single nucleotide variant.
Coding change: c.1195+9C>T on transcript NM_006180.6 (MANE Select); 9 bases into the intron after coding-DNA position 1195, C replaced by T.
Molecular consequence: intron variant.
Genome position (GRCh38, 1-based): chr9:84,741,936, C>T. VCF-style: chr9-84741936-C-T. GRCh37 (hg19) VCF-style: chr9-87356851-C-T.
Other names: c.1195+9C>T (NM_001369532.1, NM_001369533.1, NM_001018066.3 and 15 more transcripts); c.1156+9C>T (NM_001291937.2, NM_001369546.1); c.1160-3037C>T (NM_001369534.1); c.727+9C>T (NM_001369536.1, NM_001369535.1, NM_001369550.1 and 2 more transcripts).
Identifiers: ClinVar variation 436087 (VCV000436087.16), dbSNP rs201773066, ClinGen allele CA5105654.